The following is an entry in ClinVar:

NM_016065.4(MRPS16):c.161A>G (p.Tyr54Cys)

Genes: MRPS16 (mitochondrial ribosomal protein S16; minus strand), DNAJC9-AS1 (DNAJC9 and MRPS16 antisense RNA 1; plus strand). Cytogenetic location: 10q22.2.
Variant type: single nucleotide variant.
Coding change: c.161A>G on transcript NM_016065.4 (MANE Select); coding-DNA position 161, A replaced by G.
Protein change: p.Tyr54Cys; replaces tyrosine 54 with cysteine.
Molecular consequence: missense variant.
Genome position (GRCh38, 1-based): chr10:73,251,876, T>C on the plus strand (A>G on the coding strand, the complement: MRPS16 is on the minus strand). VCF-style: chr10-73251876-T-C. GRCh37 (hg19) VCF-style: chr10-75011634-T-C.
Other names: c.161A>G, p.Tyr54Cys (NM_001410935.1); short protein forms Y54C.
Identifiers: ClinVar variation 2196967 (VCV002196967.4), dbSNP rs772803810, ClinGen allele CA5553398.

ClinVar aggregate classification (germline): Uncertain significance (1 of 4 stars; one submission).

Allele frequency attached by ClinVar (database versions not stated): TOPMed 0.00002; gnomAD exomes 0.00003; ExAC 0.00004; gnomAD 0.00004.
gnomAD v4.1: 52 of 1,614,040 alleles (0.0032%); highest among the groups gnomAD compares: Non-Finnish European, 0.0026%; no homozygotes.

Submission:

Labcorp Genetics (formerly Invitae), Labcorp
Classification: Uncertain significance. Last evaluated: 2022-09-05. Review status: criteria provided, single submitter. Criteria: Invitae Variant Classification Sherloc (09022015). Collection method: clinical testing. Allele origin: germline.
Comment: In summary, the available evidence is currently insufficient to determine the role of this variant in disease. Therefore, it has been classified as a Variant of Uncertain Significance. Algorithms developed to predict the effect of missense changes on protein structure and function are either unavailable or do not agree on the potential impact of this missense change (SIFT: "Deleterious"; PolyPhen-2: "Benign"; Align-GVGD: "Class C45"). This variant has not been reported in the literature in individuals affected with MRPS16-related conditions. This variant is present in population databases (rs772803810, gnomAD 0.03%). This sequence change replaces tyrosine, which is neutral and polar, with cysteine, which is neutral and slightly polar, at codon 54 of the MRPS16 protein (p.Tyr54Cys).